The following is an entry in ClinVar:

NM_030665.4(RAI1):c.4111G>T (p.Ala1371Ser)

Gene: RAI1 (retinoic acid induced 1; plus strand). Cytogenetic location: 17p11.2.
Variant type: single nucleotide variant.
Coding change: c.4111G>T on transcript NM_030665.4 (MANE Select); coding-DNA position 4111, G replaced by T.
Protein change: p.Ala1371Ser; replaces alanine 1371 with serine.
Molecular consequence: missense variant.
Genome position (GRCh38, 1-based): chr17:17,797,059, G>T. VCF-style: chr17-17797059-G-T. GRCh37 (hg19) VCF-style: chr17-17700373-G-T.
Other names: short protein forms A1371S.
Identifiers: ClinVar variation 4996065 (VCV004996065.1).
Genomic context (GRCh38, chr17:17,797,059, plus strand): 5'-GCCTCTCCTGGTAATCCTCTGAGCCCATCCCTTTCCGACAAAGACCGTGGGCTCAAGGGT[G>T]CTGGGGGCAGCCCAGTGGGGGTGGAAGAAGGCCTGGTAAATGTGGGCACCGGGCAGAAGC-3'
Protein context (NP_109590.3, residues 1361-1381): LSDKDRGLKG[Ala1371Ser]GGSPVGVEEG

ClinVar aggregate classification (germline): Uncertain significance (1 of 4 stars; one submission).

Conditions:
RAI1-related disorder. Also called: RAI1-related condition.

gnomAD v4.1: 5 of 1,613,824 alleles (0.00031%); highest among the groups gnomAD compares: South Asian, 0.0011%; no homozygotes.

Submission:

PreventionGenetics, part of Exact Sciences
Classification: Uncertain significance for RAI1-related condition. Last evaluated: 2026-08-27. Review status: criteria provided, single submitter. Criteria: ACMG Guidelines, 2015. Collection method: clinical testing. Allele origin: germline.
Comment: The RAI1 c.4111G>T variant is predicted to result in the amino acid substitution p.Ala1371Ser. To our knowledge, this variant has not been reported in the literature or in a large population database (gnomAD), indicating this variant is rare. At this time, the clinical significance of this variant is uncertain due to the absence of conclusive functional and genetic evidence.